The following is an entry in ClinVar:

NM_001040108.2(MLH3):c.1486T>G (p.Ser496Ala)

Gene: MLH3 (mutL homolog 3; minus strand). Cytogenetic location: 14q24.3.
Variant type: single nucleotide variant.
Coding change: c.1486T>G on transcript NM_001040108.2 (MANE Select); coding-DNA position 1486, T replaced by G.
Protein change: p.Ser496Ala; replaces serine 496 with alanine.
Molecular consequence: missense variant.
Genome position (GRCh38, 1-based): chr14:75,048,170, A>C on the plus strand (T>G on the coding strand, the complement: MLH3 is on the minus strand). VCF-style: chr14-75048170-A-C. GRCh37 (hg19) VCF-style: chr14-75514873-A-C.
Other names: c.1486T>G, p.Ser496Ala (NM_014381.3); short protein forms S496A.
Identifiers: ClinVar variation 3295109 (VCV003295109.1).

ClinVar aggregate classification (germline): Uncertain significance (1 of 4 stars; one submission).

Submission:

Ambry Genetics
Classification: Uncertain significance. Last evaluated: 2024-04-17. Review status: criteria provided, single submitter. Criteria: Ambry Variant Classification Scheme 2023. Collection method: clinical testing. Allele origin: germline.
Comment: The p.S496A variant (also known as c.1486T>G), located in coding exon 1 of the MLH3 gene, results from a T to G substitution at nucleotide position 1486. The serine at codon 496 is replaced by alanine, an amino acid with similar properties. This amino acid position is conserved. In addition, this alteration is predicted to be tolerated by in silico analysis. Based on the available evidence, the clinical significance of this variant remains unclear.